The following is an entry in ClinVar:

ClinVar aggregate classification (germline): Uncertain significance. Review status: criteria provided, multiple submitters, no conflicts (2 of 4 stars). 2 submissions from 2 submitters: Uncertain significance (2). Last evaluated 2023-12-08.

Allele frequency attached by ClinVar (database versions not stated): gnomAD exomes 0.00001; ExAC 0.00003; TOPMed 0.00006; gnomAD 0.00011.
gnomAD v4.1: 28 of 1,592,496 alleles (0.0018%); highest among the groups gnomAD compares: African/African-American, 0.031%; no homozygotes.

Submissions (2):

GeneDx
Classification: Uncertain significance. Last evaluated: 2023-12-08. Review status: criteria provided, single submitter. Criteria: GeneDx Variant Classification Process June 2021. Collection method: clinical testing. Allele origin: germline. Affected: yes.
Comment: In silico analysis supports that this missense variant has a deleterious effect on protein structure/function; Has not been previously published as pathogenic or benign to our knowledge

Labcorp Genetics (formerly Invitae), Labcorp
Classification: Uncertain significance. Last evaluated: 2022-08-23. Review status: criteria provided, single submitter. Criteria: Invitae Variant Classification Sherloc (09022015). Collection method: clinical testing. Allele origin: germline.
Comment: This sequence change replaces glycine, which is neutral and non-polar, with glutamic acid, which is acidic and polar, at codon 407 of the COL9A1 protein (p.Gly407Glu). This variant is present in population databases (rs746748280, gnomAD 0.04%). This variant has not been reported in the literature in individuals affected with COL9A1-related conditions. Advanced modeling of protein sequence and biophysical properties (such as structural, functional, and spatial information, amino acid conservation, physicochemical variation, residue mobility, and thermodynamic stability) performed at Invitae indicates that this missense variant is not expected to disrupt COL9A1 protein function. In summary, the available evidence is currently insufficient to determine the role of this variant in disease. Therefore, it has been classified as a Variant of Uncertain Significance.

NM_001851.6(COL9A1):c.1220G>A (p.Gly407Glu)

Gene: COL9A1 (collagen type IX alpha 1 chain; minus strand). Cytogenetic location: 6q13.
Variant type: single nucleotide variant.
Coding change: c.1220G>A on transcript NM_001851.6 (MANE Select); coding-DNA position 1220, G replaced by A.
Protein change: p.Gly407Glu; replaces glycine 407 with glutamic acid.
Molecular consequence: missense variant. On other transcripts: non-coding transcript variant (1).
Genome position (GRCh38, 1-based): chr6:70,269,643, C>T on the plus strand (G>A on the coding strand, the complement: COL9A1 is on the minus strand). VCF-style: chr6-70269643-C-T. GRCh37 (hg19) VCF-style: chr6-70979346-C-T.
Other names: c.491G>A, p.Gly164Glu (NM_001377289.1, NM_001377290.1, NM_078485.4); c.1220G>A (NM_001851.4); short protein forms G164E, G407E.
Identifiers: ClinVar variation 1895820 (VCV001895820.3), dbSNP rs746748280, ClinGen allele CA3882336.
Genomic context (GRCh38, chr6:70,269,643, plus strand): 5'-ATATGGTCTTTGAATTAAAACTATATTTTGTTCAAAGGAAAGCATCTTACCAATGGATCT[C>T]CATCATGAAAGCCAATTGTTCCCTAAAGTAAACAAAATATTAAGGTTCAGAATACAATTA-3'
Protein context (NP_001842.3, residues 397-417): GPRGTIGFHD[Gly407Glu]DPLCPNACPP